The following is an entry in ClinVar:

ClinVar aggregate classification (germline): Likely benign. Review status: criteria provided, multiple submitters, no conflicts (2 of 4 stars). 3 submissions from 3 submitters: Likely benign (3). Last evaluated 2024-11-01.

Conditions:
Aortic aneurysm, familial thoracic 7 (AAT7). Also called: AORTIC DISSECTION, FAMILIAL, WITH OR WITHOUT AORTIC ANEURYSM. Identifiers: MedGen C3151077, MONDO:0013418, OMIM 613780.
Familial thoracic aortic aneurysm and aortic dissection (TAAD). Also called: Thoracic aortic aneurysms and dissections. Identifiers: Orphanet 91387, MedGen C4707243, MONDO:0019625.

Allele frequency attached by ClinVar (database versions not stated): gnomAD 0.00001; gnomAD exomes 0.00001; TOPMed 0.00001; ExAC 0.00002.
gnomAD v4.1: 19 of 1,613,804 alleles (0.0012%); highest among the groups gnomAD compares: South Asian, 0.0022%; no homozygotes.

Submissions (3):

CeGaT Center for Human Genetics Tuebingen
Classification: Likely benign. Last evaluated: 2024-11-01. Review status: criteria provided, single submitter. Criteria: CeGaT Center For Human Genetics Tuebingen Variant Classification Criteria Version 2. Collection method: clinical testing. Allele origin: germline. Affected: yes. Observed: 2 variant alleles.
Comment: MYLK: BP4, BP7

Labcorp Genetics (formerly Invitae), Labcorp
Classification: Likely benign for Aortic aneurysm, familial thoracic 7. Last evaluated: 2024-08-19. Review status: criteria provided, single submitter. Criteria: Invitae Variant Classification Sherloc (09022015). Collection method: clinical testing. Allele origin: germline.

Ambry Genetics
Classification: Likely benign for Familial thoracic aortic aneurysm and aortic dissection. Last evaluated: 2024-08-08. Review status: criteria provided, single submitter. Criteria: Ambry Variant Classification Scheme 2023. Collection method: clinical testing. Allele origin: germline.

NM_053025.4(MYLK):c.5619C>T (p.Cys1873=)

Genes: MYLK (myosin light chain kinase; minus strand), MYLK-AS1 (MYLK antisense RNA 1; plus strand). Cytogenetic location: 3q21.1.
Variant type: single nucleotide variant.
Coding change: c.5619C>T on transcript NM_053025.4 (MANE Select); coding-DNA position 5619, C replaced by T.
Protein change: p.Cys1873=; no amino-acid change (cysteine 1873 retained).
Molecular consequence: synonymous variant.
Genome position (GRCh38, 1-based): chr3:123,614,231, G>A on the plus strand (C>T on the coding strand, the complement: MYLK is on the minus strand). VCF-style: chr3-123614231-G-A. GRCh37 (hg19) VCF-style: chr3-123333078-G-A.
Other names: c.5619C>T (NM_053025.3); c.5091C>T, p.Cys1697= (NM_001321309.2); c.5412C>T, p.Cys1804= (NM_053026.4); c.5466C>T, p.Cys1822= (NM_053027.4); c.5259C>T, p.Cys1753= (NM_053028.4); c.336C>T, p.Cys112= (NM_053031.4); c.339C>T, p.Cys113= (NM_053032.4).
Identifiers: ClinVar variation 2654082 (VCV002654082.27), dbSNP rs766761036, ClinGen allele CA073147.